The following is an entry in ClinVar:

NM_003334.4(UBA1):c.1349G>A (p.Arg450His)

Gene: UBA1 (ubiquitin like modifier activating enzyme 1; plus strand). Cytogenetic location: Xp11.3.
Variant type: single nucleotide variant.
Coding change: c.1349G>A on transcript NM_003334.4 (MANE Select); coding-DNA position 1349, G replaced by A.
Protein change: p.Arg450His; replaces arginine 450 with histidine.
Molecular consequence: missense variant.
Genome position (GRCh38, 1-based): chrX:47,203,144, G>A. VCF-style: chrX-47203144-G-A. GRCh37 (hg19) VCF-style: chrX-47062543-G-A.
Other names: c.1349G>A, p.Arg450His (NM_153280.3); short protein forms R450H.
Identifiers: ClinVar variation 1770548 (VCV001770548.23), dbSNP rs2521459100, ClinGen allele CA412797633.

ClinVar aggregate classification (germline): Uncertain significance. Review status: criteria provided, multiple submitters, no conflicts (2 of 4 stars). 2 submissions from 2 submitters: Uncertain significance (2). Last evaluated 2024-03-01.

Conditions:
Inborn genetic diseases. Identifiers: MedGen C0950123, MeSH D030342.

Allele frequency attached by ClinVar (database versions not stated): gnomAD exomes 0.00001.
gnomAD v4.1: 7 of 1,211,716 alleles (0.00058%); highest among the groups gnomAD compares: East Asian, 0.0059%; no homozygotes.

Submissions (2):

CeGaT Center for Human Genetics Tuebingen
Classification: Uncertain significance. Last evaluated: 2024-03-01. Review status: criteria provided, single submitter. Criteria: CeGaT Center For Human Genetics Tuebingen Variant Classification Criteria Version 2. Collection method: clinical testing. Allele origin: germline. Affected: yes. Observed: 1 variant allele.
Comment: UBA1: PM2

Ambry Genetics
Classification: Uncertain significance for Inborn genetic diseases. Last evaluated: 2021-03-03. Review status: criteria provided, single submitter. Criteria: Ambry Variant Classification Scheme 2023. Collection method: clinical testing. Allele origin: germline.
Comment: The p.R450H variant (also known as c.1349G>A), located in coding exon 12 of the UBA1 gene, results from a G to A substitution at nucleotide position 1349. The arginine at codon 450 is replaced by histidine, an amino acid with highly similar properties. This amino acid position is highly conserved in available vertebrate species. In addition, this alteration is predicted to be deleterious by in silico analysis. Since supporting evidence is limited at this time, the clinical significance of this alteration remains unclear.